The following is an entry in ClinVar:

NM_002618.4(PEX13):c.93-1G>A

Gene: PEX13 (peroxisomal biogenesis factor 13; plus strand). Cytogenetic location: 2p15.
Variant type: single nucleotide variant.
Coding change: c.93-1G>A on transcript NM_002618.4 (MANE Select); the canonical splice acceptor site of the intron before coding-DNA position 93, G replaced by A.
Molecular consequence: splice acceptor variant.
Genome position (GRCh38, 1-based): chr2:61,031,418, G>A. VCF-style: chr2-61031418-G-A. GRCh37 (hg19) VCF-style: chr2-61258553-G-A.
Identifiers: ClinVar variation 2112372 (VCV002112372.4), dbSNP rs1168492424, ClinGen allele CA346940814.

ClinVar aggregate classification (germline): Likely pathogenic (1 of 4 stars; one submission).

Conditions:
Peroxisome biogenesis disorder 11A (Zellweger). Also called: Peroxisome biogenesis disorder 11A. Identifiers: Orphanet 912, MedGen C3554000, MONDO:0013949, OMIM 614883.

Submission:

Labcorp Genetics (formerly Invitae), Labcorp
Classification: Likely pathogenic for Peroxisome biogenesis disorder 11A (Zellweger). Last evaluated: 2022-11-01. Review status: criteria provided, single submitter. Criteria: Invitae Variant Classification Sherloc (09022015). Collection method: clinical testing. Allele origin: germline.
Comment: This variant has not been reported in the literature in individuals affected with PEX13-related conditions. Algorithms developed to predict the effect of sequence changes on RNA splicing suggest that this variant may disrupt the consensus splice site. In summary, the currently available evidence indicates that the variant is pathogenic, but additional data are needed to prove that conclusively. Therefore, this variant has been classified as Likely Pathogenic. This sequence change affects an acceptor splice site in intron 1 of the PEX13 gene. It is expected to disrupt RNA splicing. Variants that disrupt the donor or acceptor splice site typically lead to a loss of protein function (PMID: 16199547), and loss-of-function variants in PEX13 are known to be pathogenic (PMID: 10332040, 21031596). This variant is not present in population databases (gnomAD no frequency).

Literature cited by the submitters: PubMed 16199547; PubMed 10332040; PubMed 21031596.